The following is an entry in ClinVar:

NM_004415.4(DSP):c.6067G>T (p.Ala2023Ser)

Gene: DSP (desmoplakin; plus strand). Cytogenetic location: 6p24.3.
Variant type: single nucleotide variant.
Coding change: c.6067G>T on transcript NM_004415.4 (MANE Select); coding-DNA position 6067, G replaced by T.
Protein change: p.Ala2023Ser; replaces alanine 2023 with serine.
Molecular consequence: missense variant.
Genome position (GRCh38, 1-based): chr6:7,583,329, G>T. VCF-style: chr6-7583329-G-T. GRCh37 (hg19) VCF-style: chr6-7583562-G-T.
Other names: c.4270G>T, p.Ala1424Ser (NM_001008844.3); c.4738G>T, p.Ala1580Ser (NM_001319034.2); short protein forms A1580S, A2023S, A1424S.
Identifiers: ClinVar variation 1448872 (VCV001448872.8), dbSNP rs776533737, ClinGen allele CA046765.
Genomic context (GRCh38, chr6:7,583,329, plus strand): 5'-GAAGTTGCTTCTGAAATCCAGCCATTCCTTCGGGGTGCAGGATCTATCGCTGGAGCATCT[G>T]CTTCTCCTAAGGAAAAATACTCTTTGGTAGAGGCCAAGAGAAAGAAATTAATCAGCCCAG-3'
Protein context (NP_004406.2, residues 2013-2033): RGAGSIAGAS[Ala2023Ser]SPKEKYSLVE

ClinVar aggregate classification (germline): Uncertain significance (1 of 4 stars; one submission).

Conditions:
Arrhythmogenic cardiomyopathy with wooly hair and keratoderma. Also called: Carvajal syndrome; Arrhythmogenic cardiomyopathy with woolly hair and keratoderma; PALMOPLANTAR KERATODERMA WITH LEFT VENTRICULAR CARDIOMYOPATHY AND WOOLLY HAIR; Dilated cardiomyopathy with woolly hair and keratoderma. Identifiers: Orphanet 65282, MedGen C1854063, MONDO:0011581, OMIM 605676.
Arrhythmogenic right ventricular dysplasia 8 (ARVD8). Also called: ARRHYTHMOGENIC RIGHT VENTRICULAR DYSPLASIA, FAMILIAL, 8; ARRHYTHMOGENIC RIGHT VENTRICULAR CARDIOMYOPATHY 8; Arrhythmogenic Right Ventricular Dysplasia/Cardiomyopathy 8. Identifiers: MedGen C1843896, MONDO:0011831, OMIM 607450.

Allele frequency attached by ClinVar (database versions not stated): ExAC 0.00001.

Submission:

Labcorp Genetics (formerly Invitae), Labcorp
Classification: Uncertain significance for Arrhythmogenic cardiomyopathy with wooly hair and keratoderma; Arrhythmogenic right ventricular dysplasia 8. Last evaluated: 2020-11-13. Review status: criteria provided, single submitter. Criteria: Invitae Variant Classification Sherloc (09022015). Collection method: clinical testing. Allele origin: germline.
Comment: Algorithms developed to predict the effect of missense changes on protein structure and function are either unavailable or do not agree on the potential impact of this missense change (SIFT: "Deleterious"; PolyPhen-2: "Benign"; Align-GVGD: "Class C15"). In summary, the available evidence is currently insufficient to determine the role of this variant in disease. Therefore, it has been classified as a Variant of Uncertain Significance. This variant has not been reported in the literature in individuals with DSP-related conditions. This variant is present in population databases (rs776533737, ExAC 0.009%). This sequence change replaces alanine with serine at codon 2023 of the DSP protein (p.Ala2023Ser). The alanine residue is highly conserved and there is a moderate physicochemical difference between alanine and serine.